The following is an entry in ClinVar:

ClinVar aggregate classification (germline): Likely benign. Review status: criteria provided, single submitter (1 of 4 stars). 2 submissions from 2 submitters: Likely benign (1). 1 of the submissions does not count toward it. Last evaluated 2025-01-24.

Conditions:
TREM2-related disorder. Also called: TREM2-related condition.

Allele frequency attached by ClinVar (database versions not stated): ExAC 0.00003; gnomAD exomes 0.00004 and 0.00005; TOPMed 0.00005; ESP Exome Variant Server 0.00008; gnomAD 0.00008.
gnomAD v4.1: 71 of 1,613,928 alleles (0.0044%); highest among the groups gnomAD compares: Admixed American, 0.022%; no homozygotes.

Submissions (2):

Labcorp Genetics (formerly Invitae), Labcorp
Classification: Likely benign. Last evaluated: 2025-01-24. Review status: criteria provided, single submitter. Criteria: Invitae Variant Classification Sherloc (09022015). Collection method: clinical testing. Allele origin: germline.

PreventionGenetics, part of Exact Sciences
Classification: Likely benign for TREM2-related condition. Last evaluated: 2024-04-10. Review status: no assertion criteria provided. Collection method: clinical testing. Allele origin: germline. Not counted in ClinVar's aggregate classification.
Comment: This variant is classified as likely benign based on ACMG/AMP sequence variant interpretation guidelines (Richards et al. 2015 PMID: 25741868, with internal and published modifications).

NM_018965.4(TREM2):c.429C>T (p.Phe143=)

Gene: TREM2 (triggering receptor expressed on myeloid cells 2; minus strand). Cytogenetic location: 6p21.1.
Variant type: single nucleotide variant.
Coding change: c.429C>T on transcript NM_018965.4 (MANE Select); coding-DNA position 429, C replaced by T.
Protein change: p.Phe143=; no amino-acid change (phenylalanine 143 retained).
Molecular consequence: synonymous variant.
Genome position (GRCh38, 1-based): chr6:41,159,845, G>A on the plus strand (C>T on the coding strand, the complement: TREM2 is on the minus strand). VCF-style: chr6-41159845-G-A. GRCh37 (hg19) VCF-style: chr6-41127583-G-A.
Other names: c.429C>T, p.Phe143= (NM_001271821.2); c.429C>T (NM_018965.3).
Identifiers: ClinVar variation 1666503 (VCV001666503.9), dbSNP rs139397773, ClinGen allele CA3798884.